The following is an entry in ClinVar:

NC_000003.11:g.(?_43474083)_(43474239_?)del

Gene: ANO10 (anoctamin 10; minus strand). Cytogenetic location: 3p22.1.
Variant type: Deletion.
Identifiers: ClinVar variation 3247026 (VCV003247026.1).

ClinVar aggregate classification (germline): Pathogenic (1 of 4 stars; one submission).

Submission:

Labcorp Genetics (formerly Invitae), Labcorp
Classification: Pathogenic. Last evaluated: 2023-12-30. Review status: criteria provided, single submitter. Criteria: Invitae Variant Classification Sherloc (09022015). Collection method: clinical testing. Allele origin: unknown.
Comment: This variant is a gross deletion of the genomic region encompassing exon(s) 12 of the ANO10 gene. This variant would be expected to be in-frame, preserving the integrity of the reading frame. A similar copy number variant has been observed in individuals with spinocerebellar ataxia (PMID: 25089919). For these reasons, this variant has been classified as Pathogenic.

Literature cited by the submitters: PubMed 25089919.